The following is an entry in ClinVar:

ClinVar aggregate classification (germline): Uncertain significance (1 of 4 stars; one submission).

Conditions:
Hereditary cancer-predisposing syndrome. Also called: Neoplastic Syndromes, Hereditary; Tumor predisposition; Hereditary Cancer Syndrome; Hereditary neoplastic syndrome. Identifiers: Orphanet 140162, MedGen C0027672, MeSH D009386, MONDO:0015356.

Allele frequency attached by ClinVar (database versions not stated): gnomAD exomes below 0.00001.
gnomAD v4.1: 1 of 1,614,018 alleles (0.000062%); highest among the groups gnomAD compares: Non-Finnish European, 0.000085%; no homozygotes.

Submission:

Ambry Genetics
Classification: Uncertain significance for Hereditary cancer-predisposing syndrome. Last evaluated: 2021-03-23. Review status: criteria provided, single submitter. Criteria: Ambry Variant Classification Scheme 2023. Collection method: clinical testing. Allele origin: germline.
Comment: The p.P696S variant (also known as c.2086C>T), located in coding exon 13 of the BRIP1 gene, results from a C to T substitution at nucleotide position 2086. The proline at codon 696 is replaced by serine, an amino acid with similar properties. This amino acid position is highly conserved in available vertebrate species. In addition, this alteration is predicted to be deleterious by in silico analysis. Since supporting evidence is limited at this time, the clinical significance of this alteration remains unclear.

NM_032043.3(BRIP1):c.2086C>T (p.Pro696Ser)

Gene: BRIP1 (BRCA1 interacting DNA helicase 1; minus strand). Cytogenetic location: 17q23.2.
Variant type: single nucleotide variant.
Coding change: c.2086C>T on transcript NM_032043.3 (MANE Select); coding-DNA position 2086, C replaced by T.
Protein change: p.Pro696Ser; replaces proline 696 with serine.
Molecular consequence: missense variant.
Genome position (GRCh38, 1-based): chr17:61,776,412, G>A on the plus strand (C>T on the coding strand, the complement: BRIP1 is on the minus strand). VCF-style: chr17-61776412-G-A. GRCh37 (hg19) VCF-style: chr17-59853773-G-A.
Other names: short protein forms P696S.
Identifiers: ClinVar variation 1785641 (VCV001785641.2), dbSNP rs2145025955, ClinGen allele CA400478001.